The following is an entry in ClinVar:

ClinVar aggregate classification (germline): Uncertain significance (1 of 4 stars; one submission).

gnomAD v4.1: 3 of 1,209,458 alleles (0.00025%); highest among the groups gnomAD compares: African/African-American, 0.0018%; no homozygotes.

Submission:

Women's Health and Genetics/Laboratory Corporation of America, LabCorp
Classification: Uncertain significance. Last evaluated: 2022-04-18. Review status: criteria provided, single submitter. Criteria: LabCorp Variant Classification Summary - May 2015. Collection method: clinical testing. Allele origin: germline.
Comment: Variant summary: MID2 c.402C>G (p.Ser134Arg) results in a non-conservative amino acid change located in the B-box-type zinc finger domain (IPR000315) of the encoded protein sequence. Three of five in-silico tools predict a benign effect of the variant on protein function. The variant was absent in 183020 control chromosomes. The available data on variant occurrences in the general population are insufficient to allow any conclusion about variant significance. To our knowledge, no occurrence of c.402C>G in individuals affected with Intellectual Disability, X-Linked 101 and no experimental evidence demonstrating its impact on protein function have been reported. No clinical diagnostic laboratories have submitted clinical-significance assessments for this variant to ClinVar after 2014. Based on the evidence outlined above, the variant was classified as uncertain significance.

NM_012216.4(MID2):c.402C>G (p.Ser134Arg)

Gene: MID2 (midline 2; plus strand). Cytogenetic location: Xq22.3.
Variant type: single nucleotide variant.
Coding change: c.402C>G on transcript NM_012216.4 (MANE Select); coding-DNA position 402, C replaced by G.
Protein change: p.Ser134Arg; replaces serine 134 with arginine.
Molecular consequence: missense variant.
Genome position (GRCh38, 1-based): chrX:107,841,067, C>G. VCF-style: chrX-107841067-C-G. GRCh37 (hg19) VCF-style: chrX-107084297-C-G.
Other names: c.342C>G, p.Ser114Arg (NM_001382751.1, NM_001382752.1); c.402C>G, p.Ser134Arg (NM_052817.3); short protein forms S114R, S134R.
Identifiers: ClinVar variation 1683338 (VCV001683338.1), dbSNP rs761567068, ClinGen allele CA413895646.